The following is an entry in ClinVar:

NM_002693.3(POLG):c.17G>C (p.Trp6Ser)

Genes: POLG (DNA polymerase gamma, catalytic subunit; minus strand), POLGARF (POLG alternative reading frame; minus strand). Cytogenetic location: 15q26.1.
Variant type: single nucleotide variant.
Coding change: c.17G>C on transcript NM_002693.3 (MANE Select); coding-DNA position 17, G replaced by C.
Protein change: p.Trp6Ser; replaces tryptophan 6 with serine.
Molecular consequence: missense variant.
Genome position (GRCh38, 1-based): chr15:89,333,738, C>G on the plus strand (G>C on the coding strand, the complement: POLG is on the minus strand). VCF-style: chr15-89333738-C-G. GRCh37 (hg19) VCF-style: chr15-89876969-C-G.
Other names: c.17G>C, p.Trp6Ser (NM_001126131.2); short protein forms W6S.
Identifiers: ClinVar variation 391825 (VCV000391825.14), dbSNP rs1057524249, ClinGen allele CA10602200.

ClinVar aggregate classification (germline): Uncertain significance. Review status: criteria provided, multiple submitters, no conflicts (2 of 4 stars). 5 submissions from 5 submitters: Uncertain significance (4). 1 of the submissions does not count toward it. Last evaluated 2025-12-04.

Conditions:
Progressive sclerosing poliodystrophy (MTDPS4A). Also called: Mitochondrial DNA depletion syndrome 4A (Alpers type); ALPERS DIFFUSE DEGENERATION OF CEREBRAL GRAY MATTER WITH HEPATIC CIRRHOSIS; Alpers-Huttenlocher Syndrome; Mitochondrial DNA Depletion Syndrome 4A; Alpers-Huttenlocher Syndrome (AHS); NEURONAL DEGENERATION OF CHILDHOOD WITH LIVER DISEASE, PROGRESSIVE. Identifiers: Orphanet 726, MedGen C0205710, MONDO:0008758, OMIM 203700.
Intellectual disability. Also called: Intellectual functioning disability; intellectual disabilities; Intellectual developmental disorder. Identifiers: MedGen C3714756, MeSH D008607, MONDO:0001071, HP:0001249.

Allele frequency attached by ClinVar (database versions not stated): TOPMed 0.00001; gnomAD exomes 0.00002 and 0.00001.
gnomAD v4.1: 8 of 1,535,456 alleles (0.00052%); highest among the groups gnomAD compares: Non-Finnish European, 0.0007%; no homozygotes.

Submissions (5):

Labcorp Genetics (formerly Invitae), Labcorp
Classification: Uncertain significance for Progressive sclerosing poliodystrophy. Last evaluated: 2025-12-04. Review status: criteria provided, single submitter. Criteria: Invitae Variant Classification Sherloc (09022015). Collection method: clinical testing. Allele origin: germline.
Comment: This sequence change replaces tryptophan, which is neutral and slightly polar, with serine, which is neutral and polar, at codon 6 of the POLG protein (p.Trp6Ser). This variant is present in population databases (no rsID available, gnomAD 0.002%). This variant has not been reported in the literature in individuals affected with POLG-related conditions. ClinVar contains an entry for this variant (Variation ID: 391825). Invitae Evidence Modeling of protein sequence and biophysical properties (such as structural, functional, and spatial information, amino acid conservation, physicochemical variation, residue mobility, and thermodynamic stability) indicates that this missense variant is not expected to disrupt POLG protein function with a negative predictive value of 95%. In summary, the available evidence is currently insufficient to determine the role of this variant in disease. Therefore, it has been classified as a Variant of Uncertain Significance.

3billion
Classification: Uncertain significance for Progressive sclerosing poliodystrophy. Last evaluated: 2024-09-29. Review status: criteria provided, single submitter. Criteria: ACMG Guidelines, 2015. Collection method: clinical testing. Allele origin: germline. Affected: yes.
Comment: The variant is observed at an extremely low frequency in the gnomAD v4.1.0 dataset (total allele frequency: <0.001%). Predicted Consequence/Location: Missense variant Damaging effect on gene or gene product predicted by in silico programs is uncertain [REVEL: 0.48 (damaging >=0.6, benign <0.4), 3Cnet: 0.00 (damaging >=0.6, benign <0.15)]. The variant has been reported as of uncertain significance (ClinVar ID: VCV000391825). Therefore, this variant is classified as VUS according to the recommendation of ACMG/AMP guideline.

GeneDx
Classification: Uncertain significance. Last evaluated: 2020-05-15. Review status: criteria provided, single submitter. Criteria: GeneDx Variant Classification Process June 2021. Collection method: clinical testing. Allele origin: germline. Affected: yes.
Comment: Not observed at a significant frequency in large population cohorts (Lek et al., 2016); In silico analysis supports that this missense variant does not alter protein structure/function; Has not been previously published as pathogenic or benign to our knowledge

Wong Mito Lab, Molecular and Human Genetics, Baylor College of Medicine
Classification: Uncertain significance for Progressive sclerosing poliodystrophy. Last evaluated: 2018-10-01. Review status: criteria provided, single submitter. Criteria: ACMG Guidelines, 2015. Collection method: clinical testing. Allele origin: germline.
Comment: The NM_002693.2:c.17G>C (NP_002684.1:p.Trp6Ser) [GRCH38: NC_000015.10:g.89333738C>G] variant in POLG gene is interpretated to be a Uncertain Significance based on ACMG guidelines (PMID: 25741868). This variant meets the following evidence codes reported in the ACMG-guideline. BP4:Computational evidence/predictors indicate no impact on the POLG structure, function, or protein-protein interaction. PM2:This variant is absent in key population databases. Based on the evidence criteria codes applied, the variant is suggested to be Uncertain Significance.

Centre de Biologie Pathologie Génétique, Centre Hospitalier Universitaire de Lille
Classification: Uncertain significance for Intellectual disability. Last evaluated: 2019-01-01. Review status: no assertion criteria provided. Collection method: clinical testing. Allele origin: unknown. Affected: yes. Not counted in ClinVar's aggregate classification.